The following is an entry in ClinVar:

NM_004370.6(COL12A1):c.4690+8A>G

Gene: COL12A1 (collagen type XII alpha 1 chain; minus strand). Cytogenetic location: 6q13.
Variant type: single nucleotide variant.
Coding change: c.4690+8A>G on transcript NM_004370.6 (MANE Select); 8 bases into the intron after coding-DNA position 4690, A replaced by G.
Molecular consequence: intron variant.
Genome position (GRCh38, 1-based): chr6:75,145,318, T>C on the plus strand (A>G on the coding strand, the complement: COL12A1 is on the minus strand). VCF-style: chr6-75145318-T-C. GRCh37 (hg19) VCF-style: chr6-75855034-T-C.
Other names: c.1198+8A>G (NM_001424116.1, NM_080645.3); c.4417+8A>G (NM_001424115.1); c.4690+8A>G (NM_001424114.1, NM_001424113.1).
Identifiers: ClinVar variation 4526299 (VCV004526299.2).

ClinVar aggregate classification (germline): Likely benign. Review status: criteria provided, multiple submitters, no conflicts (2 of 4 stars). 2 submissions from 2 submitters: Likely benign (2). Last evaluated 2025-07-22.

Conditions:
Bethlem myopathy 2 (BTHLM2). Identifiers: Orphanet 536516, Orphanet 610, MedGen C4225313, MONDO:0034022, OMIM 616471.
Ullrich congenital muscular dystrophy 2 (UCMD2). Identifiers: Orphanet 75840, MedGen C4225314, MONDO:0014654, OMIM 616470.

gnomAD v4.1: 2 of 1,591,920 alleles (0.00013%); highest among the groups gnomAD compares: African/African-American, 0.0013%; no homozygotes.

Submissions (2):

Women's Health and Genetics/Laboratory Corporation of America, LabCorp
Classification: Likely benign. Last evaluated: 2025-07-22. Review status: criteria provided, single submitter. Criteria: LabCorp Variant Classification Summary - May 2015. Collection method: clinical testing. Allele origin: germline.
Comment: Variant summary: COL12A1 c.4690+8A>G alters a non-conserved nucleotide located at a position not widely known to affect splicing. Consensus agreement among computation tools predict no significant impact on normal splicing. However, these predictions have yet to be confirmed by functional studies. The variant was absent in 243430 control chromosomes. The available data on variant occurrences in the general population are insufficient to allow any conclusion about variant significance. To our knowledge, no occurrence of c.4690+8A>G in individuals affected with Ullrich congenital muscular dystrophy 2 and no experimental evidence demonstrating its impact on protein function have been reported. No submitters have cited clinical-significance assessments for this variant to ClinVar. Based on the evidence outlined above, the variant was classified as likely benign.

Labcorp Genetics (formerly Invitae), Labcorp
Classification: Likely benign for Bethlem myopathy 2; Ullrich congenital muscular dystrophy 2. Last evaluated: 2025-05-22. Review status: criteria provided, single submitter. Criteria: Invitae Variant Classification Sherloc (09022015). Collection method: clinical testing. Allele origin: germline.